The following is an entry in ClinVar:

ClinVar aggregate classification (germline): Uncertain significance (1 of 4 stars; one submission).

Conditions:
Inborn genetic diseases. Identifiers: MedGen C0950123, MeSH D030342.

gnomAD v4.1: 1 of 1,613,564 alleles (0.000062%); highest among the groups gnomAD compares: Non-Finnish European, 0.000085%; no homozygotes.

Submission:

Ambry Genetics
Classification: Uncertain significance for Inborn genetic diseases. Last evaluated: 2025-02-09. Review status: criteria provided, single submitter. Criteria: Ambry Variant Classification Scheme 2023. Collection method: clinical testing. Allele origin: germline.
Comment: The p.R521G variant (also known as c.1561A>G), located in coding exon 1 of the SAMD9L gene, results from an A to G substitution at nucleotide position 1561. The arginine at codon 521 is replaced by glycine, an amino acid with dissimilar properties. This amino acid position is conserved. In addition, this alteration is predicted to be tolerated by in silico analysis. Based on the available evidence, the clinical significance of this variant remains unclear.

NM_152703.5(SAMD9L):c.1561A>G (p.Arg521Gly)

Gene: SAMD9L (sterile alpha motif domain containing 9 like; minus strand). Cytogenetic location: 7q21.2.
Variant type: single nucleotide variant.
Coding change: c.1561A>G on transcript NM_152703.5 (MANE Select); coding-DNA position 1561, A replaced by G.
Protein change: p.Arg521Gly; replaces arginine 521 with glycine.
Molecular consequence: missense variant.
Genome position (GRCh38, 1-based): chr7:93,134,411, T>C on the plus strand (A>G on the coding strand, the complement: SAMD9L is on the minus strand). VCF-style: chr7-93134411-T-C. GRCh37 (hg19) VCF-style: chr7-92763724-T-C.
Other names: c.1561A>G, p.Arg521Gly (NM_001303496.3, NM_001303497.3, NM_001303498.3 and 5 more transcripts); short protein forms R521G.
Identifiers: ClinVar variation 3792406 (VCV003792406.1).